The following is an entry in ClinVar:

NM_000329.3(RPE65):c.64_65insGTCGTGCTGCTGAG (p.Leu22fs)

Gene: RPE65 (retinoid isomerohydrolase RPE65; minus strand). Cytogenetic location: 1p31.3.
Variant type: Insertion.
Coding change: c.64_65insGTCGTGCTGCTGAG on transcript NM_000329.3 (MANE Select); coding-DNA positions 64 to 65, GTCGTGCTGCTGAG inserted.
Protein change: p.Leu22fs; shifts the reading frame from leucine 22.
Molecular consequence: frameshift variant. On other transcripts: 5 prime UTR variant (1), intron variant (1).
Genome position: GRCh38 VCF-style: chr1-68448653-A-ACTCAGCAGCACGAC. GRCh37 (hg19) VCF-style: chr1-68914336-A-ACTCAGCAGCACGAC.
Other names: c.64_65insGTCGTGCTGCTGAG, p.Leu22fs (NM_001406853.1, NM_001406859.1, NM_001406860.1); c.-62_-61insGTCGTGCTGCTGAG (NM_001406856.1); c.-183+1241_-183+1242insGTCGTGCTGCTGAG (NM_001406857.1); short protein forms L22fs.
Identifiers: ClinVar variation 5010359 (VCV005010359.1).

ClinVar aggregate classification (germline): Pathogenic (1 of 4 stars; one submission).

Conditions:
RPE65-related recessive retinopathy. Also called: Recessive RPE65 retinopathy. Identifiers: MedGen CN305526, MONDO:0100368.

Submission:

Myriad Genetics, Inc.
Classification: Pathogenic for RPE65-related recessive retinopathy. Last evaluated: 2024-05-14. Review status: criteria provided, single submitter. Criteria: Myriad Autosomal Dominant, Autosomal Recessive and X-Linked Classification Criteria (2023). Collection method: clinical testing. Allele origin: unknown.
Comment: NM_000329.2(RPE65):c.64_65ins14(L22Rfs*14) is expected to be pathogenic in the context of inherited retinal dystrophy, RPE65-related. This variant is predicted to lead to an abnormal or absent protein product due to the creation of a premature termination codon in RPE65, a gene where loss-of-function variants are known to be pathogenic. Please note: this variant was assessed in the context of healthy population screening.